The following is an entry in ClinVar:

NM_001244008.2(KIF1A):c.2455G>A (p.Asp819Asn)

Gene: KIF1A (kinesin family member 1A; minus strand). Cytogenetic location: 2q37.3.
Variant type: single nucleotide variant.
Coding change: c.2455G>A on transcript NM_001244008.2 (MANE Select); coding-DNA position 2455, G replaced by A.
Protein change: p.Asp819Asn; replaces aspartic acid 819 with asparagine.
Molecular consequence: missense variant.
Genome position (GRCh38, 1-based): chr2:240,758,487, C>T on the plus strand (G>A on the coding strand, the complement: KIF1A is on the minus strand). VCF-style: chr2-240758487-C-T. GRCh37 (hg19) VCF-style: chr2-241697904-C-T.
Other names: c.2455G>A, p.Asp819Asn (NM_001320705.2, NM_001330289.2, NM_001379638.1); c.2530G>A, p.Asp844Asn (NM_001330290.2, NM_001379631.1, NM_001379634.1 and 2 more transcripts); c.2428G>A, p.Asp810Asn (NM_001379632.1, NM_001379633.1, NM_001379636.1 and 11 more transcripts); c.2503G>A, p.Asp835Asn (NM_001379637.1, NM_001379648.1); short protein forms D819N, D835N, D810N, D844N.
Identifiers: ClinVar variation 1932876 (VCV001932876.5), dbSNP rs760440763, ClinGen allele CA2208092.

ClinVar aggregate classification (germline): Uncertain significance (1 of 4 stars; one submission).

Conditions:
Hereditary spastic paraplegia 30. Identifiers: Orphanet 101010, MedGen C5235139, MONDO:0012476.
Neuropathy, hereditary sensory, type 2C. Also called: Hereditary sensory and autonomic neuropathy type IIC; KIF1A-Related HSAN2 (HSAN2C). Identifiers: Orphanet 970, MedGen C3280168, MONDO:0013634, OMIM 614213.
Intellectual disability, autosomal dominant 9 (NESCAVS). Also called: NESCAV SYNDROME; KIF1A-Related Neurodevelopmental Disorder. Identifiers: Orphanet 662367, MedGen C5393830, MONDO:0013656, OMIM 614255.

Allele frequency attached by ClinVar (database versions not stated): TOPMed 0.00001; ExAC 0.00003; gnomAD 0.00001.
gnomAD v4.1: 3 of 1,588,238 alleles (0.00019%); highest among the groups gnomAD compares: East Asian, 0.0045%; no homozygotes.

Submission:

Labcorp Genetics (formerly Invitae), Labcorp
Classification: Uncertain significance for Hereditary spastic paraplegia 30; Neuropathy, hereditary sensory, type 2C; Intellectual disability, autosomal dominant 9. Last evaluated: 2022-10-22. Review status: criteria provided, single submitter. Criteria: Invitae Variant Classification Sherloc (09022015). Collection method: clinical testing. Allele origin: germline.
Comment: This sequence change replaces aspartic acid, which is acidic and polar, with asparagine, which is neutral and polar, at codon 810 of the KIF1A protein (p.Asp810Asn). The frequency data for this variant in the population databases is considered unreliable, as metrics indicate poor data quality at this position in the gnomAD database. This variant has not been reported in the literature in individuals affected with KIF1A-related conditions. Algorithms developed to predict the effect of missense changes on protein structure and function (SIFT, PolyPhen-2, Align-GVGD) all suggest that this variant is likely to be tolerated. In summary, the available evidence is currently insufficient to determine the role of this variant in disease. Therefore, it has been classified as a Variant of Uncertain Significance.